The following is an entry in ClinVar:

NM_015161.3(ARL6IP1):c.263C>T (p.Ala88Val)

Gene: ARL6IP1 (ARL6 interacting reticulophagy regulator 1; minus strand). Cytogenetic location: 16p12.3.
Variant type: single nucleotide variant.
Coding change: c.263C>T on transcript NM_015161.3 (MANE Select); coding-DNA position 263, C replaced by T.
Protein change: p.Ala88Val; replaces alanine 88 with valine.
Molecular consequence: missense variant.
Genome position (GRCh38, 1-based): chr16:18,797,952, G>A on the plus strand (C>T on the coding strand, the complement: ARL6IP1 is on the minus strand). VCF-style: chr16-18797952-G-A. GRCh37 (hg19) VCF-style: chr16-18809274-G-A.
Other names: c.176C>T, p.Ala59Val (NM_001313858.1); short protein forms A88V, A59V.
Identifiers: ClinVar variation 2193556 (VCV002193556.4), dbSNP rs374401441, ClinGen allele CA7929511.

ClinVar aggregate classification (germline): Uncertain significance (1 of 4 stars; one submission).

Conditions:
Hereditary spastic paraplegia 61. Also called: Spastic paraplegia 61, autosomal recessive. Identifiers: Orphanet 401780, MedGen C3810294, MONDO:0014304, OMIM 615685.

Allele frequency attached by ClinVar (database versions not stated): gnomAD exomes 0.00001; ExAC 0.00002; TOPMed 0.00002; ESP Exome Variant Server 0.00008.
gnomAD v4.1: 17 of 1,613,024 alleles (0.0011%); highest among the groups gnomAD compares: Admixed American, 0.005%; no homozygotes.

Submission:

Labcorp Genetics (formerly Invitae), Labcorp
Classification: Uncertain significance for Hereditary spastic paraplegia 61. Last evaluated: 2023-10-13. Review status: criteria provided, single submitter. Criteria: Invitae Variant Classification Sherloc (09022015). Collection method: clinical testing. Allele origin: germline.
Comment: This sequence change replaces alanine, which is neutral and non-polar, with valine, which is neutral and non-polar, at codon 88 of the ARL6IP1 protein (p.Ala88Val). This variant is present in population databases (rs374401441, gnomAD 0.006%). This variant has not been reported in the literature in individuals affected with ARL6IP1-related conditions. ClinVar contains an entry for this variant (Variation ID: 2193556). Experimental studies and prediction algorithms are not available or were not evaluated, and the functional significance of this variant is currently unknown. In summary, the available evidence is currently insufficient to determine the role of this variant in disease. Therefore, it has been classified as a Variant of Uncertain Significance.